The following is an entry in ClinVar:

ClinVar aggregate classification (germline): Uncertain significance (1 of 4 stars; one submission).

Conditions:
Cardiovascular phenotype. Identifiers: MedGen CN230736.

Submission:

Ambry Genetics
Classification: Uncertain significance for Cardiovascular phenotype. Last evaluated: 2024-08-31. Review status: criteria provided, single submitter. Criteria: Ambry Variant Classification Scheme 2023. Collection method: clinical testing. Allele origin: germline.
Comment: The p.S240F variant (also known as c.719C>T), located in coding exon 6 of the EFEMP2 gene, results from a C to T substitution at nucleotide position 719. The serine at codon 240 is replaced by phenylalanine, an amino acid with highly dissimilar properties. This amino acid position is conserved. In addition, the in silico prediction for this alteration is inconclusive. Based on the available evidence, the clinical significance of this variant remains unclear.

NM_016938.5(EFEMP2):c.719C>T (p.Ser240Phe)

Gene: EFEMP2 (EGF containing fibulin extracellular matrix protein 2; minus strand). Cytogenetic location: 11q13.1.
Variant type: single nucleotide variant.
Coding change: c.719C>T on transcript NM_016938.5 (MANE Select); coding-DNA position 719, C replaced by T.
Protein change: p.Ser240Phe; replaces serine 240 with phenylalanine.
Molecular consequence: missense variant. On other transcripts: non-coding transcript variant (1).
Genome position (GRCh38, 1-based): chr11:65,869,865, G>A on the plus strand (C>T on the coding strand, the complement: EFEMP2 is on the minus strand). VCF-style: chr11-65869865-G-A. GRCh37 (hg19) VCF-style: chr11-65637336-G-A.
Other names: short protein forms S240F.
Identifiers: ClinVar variation 3506963 (VCV003506963.1).
Genomic context (GRCh38, chr11:65,869,865, plus strand): 5'-GCTAGGGCCTGGGGGTCCACAGAGGAGTACACAGCAGGGATGGAGCTCTCACCACTGCAG[G>A]AGAAGCCATCCCGATGCAGCTCATAGCCCTGGTGGCAGCGACACAGGAAGGTCCCATAGG-3'
Protein context (NP_058634.4, residues 230-250): QGYELHRDGF[Ser240Phe]CSDIDECSYS